The following is an entry in ClinVar:

NM_000170.3(GLDC):c.2259C>G (p.His753Gln)

Gene: GLDC (glycine decarboxylase; minus strand). Cytogenetic location: 9p24.1.
Variant type: single nucleotide variant.
Coding change: c.2259C>G on transcript NM_000170.3 (MANE Select); coding-DNA position 2259, C replaced by G.
Protein change: p.His753Gln; replaces histidine 753 with glutamine.
Molecular consequence: missense variant.
Genome position (GRCh38, 1-based): chr9:6,554,725, G>C on the plus strand (C>G on the coding strand, the complement: GLDC is on the minus strand). VCF-style: chr9-6554725-G-C. GRCh37 (hg19) VCF-style: chr9-6554725-G-C.
Other names: c.2259C>G (NM_000170.2); short protein forms H753Q.
Identifiers: ClinVar variation 1382260 (VCV001382260.9), dbSNP rs2129719894, ClinGen allele CA372880312.

ClinVar aggregate classification (germline): Conflicting classifications of pathogenicity. Review status: criteria provided, conflicting classifications (1 of 4 stars). 2 submissions from 2 submitters: Likely pathogenic (1); Uncertain significance (1). Last evaluated 2024-02-23.

Conditions:
Glycine encephalopathy. Also called: Nonketotic hyperglycinemia; Non-ketotic hyperglycinemia. Identifiers: Orphanet 407, MedGen C0751748, MONDO:0011612, HP:0008288.

Allele frequency attached by ClinVar (database versions not stated): gnomAD exomes below 0.00001.
gnomAD v4.1: 1 of 1,613,380 alleles (0.000062%); highest among the groups gnomAD compares: African/African-American, 0.0013%; no homozygotes.

Submissions (2):

Labcorp Genetics (formerly Invitae), Labcorp
Classification: Uncertain significance for Glycine encephalopathy. Last evaluated: 2024-02-23. Review status: criteria provided, single submitter. Criteria: Invitae Variant Classification Sherloc (09022015). Collection method: clinical testing. Allele origin: germline.
Comment: This sequence change replaces histidine, which is basic and polar, with glutamine, which is neutral and polar, at codon 753 of the GLDC protein (p.His753Gln). This variant is not present in population databases (gnomAD no frequency). This variant has not been reported in the literature in individuals affected with GLDC-related conditions. ClinVar contains an entry for this variant (Variation ID: 1382260). Advanced modeling of protein sequence and biophysical properties (such as structural, functional, and spatial information, amino acid conservation, physicochemical variation, residue mobility, and thermodynamic stability) performed at Invitae indicates that this missense variant is expected to disrupt GLDC protein function with a positive predictive value of 80%. In summary, the available evidence is currently insufficient to determine the role of this variant in disease. Therefore, it has been classified as a Variant of Uncertain Significance.

Greenwood Genetic Center Diagnostic Laboratories, Greenwood Genetic Center
Classification: Likely pathogenic for Glycine encephalopathy 1. Last evaluated: 2023-08-02. Review status: criteria provided, single submitter. Criteria: ACMG Guidelines, 2015. Collection method: clinical testing. Allele origin: germline. Affected: yes.
Comment: PS3_Supporting, PM2, PM3, PP3